The following is an entry in ClinVar:

ClinVar aggregate classification (germline): Uncertain significance (1 of 4 stars; one submission).

Allele frequency attached by ClinVar (database versions not stated): TOPMed 0.00001; ExAC 0.00003; gnomAD exomes 0.00003.
gnomAD v4.1: 11 of 1,614,156 alleles (0.00068%); highest among the groups gnomAD compares: Admixed American, 0.0083%; no homozygotes.

Submission:

Labcorp Genetics (formerly Invitae), Labcorp
Classification: Uncertain significance. Last evaluated: 2021-01-08. Review status: criteria provided, single submitter. Criteria: Invitae Variant Classification Sherloc (09022015). Collection method: clinical testing. Allele origin: germline.
Comment: This sequence change replaces glutamic acid with lysine at codon 387 of the CLUAP1 protein (p.Glu387Lys). The glutamic acid residue is weakly conserved and there is a small physicochemical difference between glutamic acid and lysine. This variant is present in population databases (rs775483040, ExAC 0.03%). In summary, the available evidence is currently insufficient to determine the role of this variant in disease. Therefore, it has been classified as a Variant of Uncertain Significance. Algorithms developed to predict the effect of missense changes on protein structure and function (SIFT, PolyPhen-2, Align-GVGD) all suggest that this variant is likely to be tolerated, but these predictions have not been confirmed by published functional studies and their clinical significance is uncertain. This variant has not been reported in the literature in individuals with CLUAP1-related conditions.

NM_015041.3(CLUAP1):c.1159G>A (p.Glu387Lys)

Gene: CLUAP1 (clusterin associated protein 1; plus strand). Cytogenetic location: 16p13.3.
Variant type: single nucleotide variant.
Coding change: c.1159G>A on transcript NM_015041.3 (MANE Select); coding-DNA position 1159, G replaced by A.
Protein change: p.Glu387Lys; replaces glutamic acid 387 with lysine.
Molecular consequence: missense variant.
Genome position (GRCh38, 1-based): chr16:3,536,188, G>A. VCF-style: chr16-3536188-G-A. GRCh37 (hg19) VCF-style: chr16-3586188-G-A.
Other names: c.1216G>A, p.Glu406Lys (NM_001330454.2); c.661G>A, p.Glu221Lys (NM_024793.3); short protein forms E221K, E406K, E387K.
Identifiers: ClinVar variation 1491544 (VCV001491544.8), dbSNP rs775483040, ClinGen allele CA7864057.